The following is an entry in ClinVar:

NM_000130.5(F5):c.4923C>T (p.Leu1641=)

Gene: F5 (coagulation factor V; minus strand). Cytogenetic location: 1q24.2.
Variant type: single nucleotide variant.
Coding change: c.4923C>T on transcript NM_000130.5 (MANE Select); coding-DNA position 4923, C replaced by T.
Protein change: p.Leu1641=; no amino-acid change (leucine 1641 retained).
Molecular consequence: synonymous variant.
Genome position (GRCh38, 1-based): chr1:169,536,554, G>A on the plus strand (C>T on the coding strand, the complement: F5 is on the minus strand). VCF-style: chr1-169536554-G-A. GRCh37 (hg19) VCF-style: chr1-169505792-G-A.
Other names: p.Leu1641=.
Identifiers: ClinVar variation 716052 (VCV000716052.37), dbSNP rs116809837, ClinGen allele CA1233618.

ClinVar aggregate classification (germline): Benign/Likely benign. Review status: criteria provided, multiple submitters, no conflicts (2 of 4 stars). 8 submissions from 8 submitters: Benign (2); Likely benign (5). 1 of the submissions does not count toward it. Last evaluated 2026-06-01.

Conditions:
F5-related disorder. Also called: F5-related condition.
Factor V deficiency. Also called: Reduced coagulation factor V activity. Identifiers: Orphanet 326, MedGen C4317320, MONDO:0020586, HP:0003225.
Ischemic stroke. Also called: CEREBROVASCULAR ACCIDENT; Ischemic stroke, susceptibility to. Identifiers: MedGen C0948008, MONDO:1060198, OMIM 601367, HP:0002140.
Pregnancy loss, recurrent, susceptibility to, 1 (RPRGL1). Also called: EMBRYONIC LOSS, RECURRENT; MISCARRIAGE, RECURRENT; STILLBIRTH, RECURRENT; FETAL LOSS, RECURRENT, SUSCEPTIBILITY TO. Identifiers: MedGen C3280670, MONDO:0013727, OMIM 614389.
Budd-Chiari syndrome (BDCHS). Also called: Hepatic vein obstruction. Identifiers: Orphanet 131, MedGen C0856761, MONDO:0010947, OMIM 600880, HP:0002639.
Thrombophilia due to activated protein C resistance (THPH2). Also called: PCCF DEFICIENCY; PROC COFACTOR DEFICIENCY; Hereditary Resistance to Activated Protein C; APC resistance; Activated protein C resistance; THROMBOPHILIA DUE TO DEFICIENCY OF ACTIVATED PROTEIN C COFACTOR. Identifiers: MedGen C1861171, MONDO:0008560, OMIM 188055. Disease mechanism: loss of function, gain of function.
Congenital factor V deficiency. Also called: LABILE FACTOR DEFICIENCY; OWREN PARAHEMOPHILIA; PARAHEMOPHILIA; Hereditary factor V deficiency disease. Identifiers: Orphanet 326, MedGen C0015499, MONDO:0009210, OMIM 227400.
Inborn genetic diseases. Identifiers: MedGen C0950123, MeSH D030342.

Allele frequency attached by ClinVar (database versions not stated): gnomAD exomes 0.00031 and 0.00061; ExAC 0.00080; gnomAD 0.00258 and 0.00272; 1000 Genomes Project 30x 0.00281; 1000 Genomes Project 0.00300; TOPMed 0.00309; ESP Exome Variant Server 0.00323.
gnomAD v4.1: 871 of 1,613,528 alleles (0.054%); highest among the groups gnomAD compares: African/African-American, 0.9%; 3 homozygotes.

Submissions (8):

CeGaT Center for Human Genetics Tuebingen
Classification: Likely benign. Last evaluated: 2026-06-01. Review status: criteria provided, single submitter. Criteria: CeGaT Center For Human Genetics Tuebingen Variant Classification Criteria Version 2. Collection method: clinical testing. Allele origin: germline. Affected: yes. Observed: 3 variant alleles.
Comment: F5: BP4, BP7

Labcorp Genetics (formerly Invitae), Labcorp
Classification: Benign for Congenital factor V deficiency. Last evaluated: 2026-01-28. Review status: criteria provided, single submitter. Criteria: Invitae Variant Classification Sherloc (09022015). Collection method: clinical testing. Allele origin: germline.

Mayo Clinic Laboratories, Mayo Clinic
Classification: Likely benign. Last evaluated: 2024-12-04. Review status: criteria provided, single submitter. Criteria: ACMG Guidelines, 2015. Collection method: clinical testing. Allele origin: germline. Observed: 1 variant allele.
Comment: BS1, BS2_supporting, BP4, BP7

Blueprint Genetics
Classification: Likely benign. Last evaluated: 2024-11-25. Review status: criteria provided, single submitter. Criteria: ACMG Guidelines, 2015. Collection method: clinical testing. Allele origin: germline.

Ambry Genetics
Classification: Likely benign for Inborn genetic diseases. Last evaluated: 2022-03-04. Review status: criteria provided, single submitter. Criteria: Ambry Variant Classification Scheme 2023. Collection method: clinical testing. Allele origin: germline.

Fulgent Genetics
Classification: Likely benign for Thrombophilia due to activated protein C resistance; Congenital factor V deficiency; Budd-Chiari syndrome; Ischemic stroke; Pregnancy loss, recurrent, susceptibility to, 1. Last evaluated: 2021-08-04. Review status: criteria provided, single submitter. Criteria: ACMG Guidelines, 2015. Collection method: clinical testing. Allele origin: unknown.

Breakthrough Genomics
Classification: Benign. Review status: criteria provided, single submitter. Criteria: ACMG Guidelines, 2015. Collection method: not provided. Allele origin: germline. Inheritance: Multifactorial inheritance. Affected: yes.

PreventionGenetics, part of Exact Sciences
Classification: Likely benign for F5-related condition. Last evaluated: 2019-02-22. Review status: no assertion criteria provided. Collection method: clinical testing. Allele origin: germline. Not counted in ClinVar's aggregate classification.
Comment: This variant is classified as likely benign based on ACMG/AMP sequence variant interpretation guidelines (Richards et al. 2015 PMID: 25741868, with internal and published modifications).